The following is an entry in ClinVar:

ClinVar aggregate classification (germline): Likely benign (1 of 4 stars; one submission).

gnomAD v4.1: 55 of 1,612,184 alleles (0.0034%); highest among the groups gnomAD compares: East Asian, 0.087%; no homozygotes.

Submission:

CeGaT Center for Human Genetics Tuebingen
Classification: Likely benign. Last evaluated: 2025-10-01. Review status: criteria provided, single submitter. Criteria: CeGaT Center For Human Genetics Tuebingen Variant Classification Criteria Version 2. Collection method: clinical testing. Allele origin: germline. Affected: yes. Observed: 1 variant allele.
Comment: ARFGEF2: BP4, BP7

NM_006420.3(ARFGEF2):c.2070C>T (p.Ser690=)

Gene: ARFGEF2 (ARF guanine nucleotide exchange factor 2; plus strand). Cytogenetic location: 20q13.13.
Variant type: single nucleotide variant.
Coding change: c.2070C>T on transcript NM_006420.3 (MANE Select); coding-DNA position 2070, C replaced by T.
Protein change: p.Ser690=; no amino-acid change (serine 690 retained).
Molecular consequence: synonymous variant.
Genome position (GRCh38, 1-based): chr20:48,984,840, C>T. VCF-style: chr20-48984840-C-T. GRCh37 (hg19) VCF-style: chr20-47601377-C-T.
Other names: c.2067C>T, p.Ser689= (NM_001410846.1).
Identifiers: ClinVar variation 4534456 (VCV004534456.6).